The following is an entry in ClinVar:

NC_000001.10:g.(?_67852242)_(67855831_?)dup

Gene: IL12RB2 (interleukin 12 receptor subunit beta 2; plus strand). Cytogenetic location: 1p31.3.
Variant type: Duplication.
Identifiers: ClinVar variation 3247911 (VCV003247911.1).

ClinVar aggregate classification (germline): Uncertain significance (1 of 4 stars; one submission).

Submission:

Labcorp Genetics (formerly Invitae), Labcorp
Classification: Uncertain significance. Last evaluated: 2023-10-23. Review status: criteria provided, single submitter. Criteria: Invitae Variant Classification Sherloc (09022015). Collection method: clinical testing. Allele origin: unknown.
Comment: This variant results in a copy number gain of the genomic region encompassing exon(s) 14-15 of the IL12RB2 gene. While the exact position of this variant cannot be determined from the data, sub-genic copy number gains are generally in tandem (PMID: 25640679). This variant is predicted to be out-of-frame, and may result in an absent or disrupted protein product. However, the current clinical and genetic evidence is not sufficient to establish whether loss-of-function variants in IL12RB2 cause disease. This variant has not been reported in the literature in individuals affected with IL12RB2-related conditions. In summary, the available evidence is currently insufficient to determine the role of this variant in disease. Therefore, it has been classified as a Variant of Uncertain Significance.

Literature cited by the submitters: PubMed 25640679.